The following is an entry in ClinVar:

ClinVar aggregate classification (germline): Conflicting classifications of pathogenicity. Review status: criteria provided, conflicting classifications (1 of 4 stars). 2 submissions from 2 submitters: Likely pathogenic (1); Uncertain significance (1). Last evaluated 2024-11-11.

Conditions:
Global developmental delay with speech and behavioral abnormalities. Identifiers: MedGen C5543226, MONDO:0030995, OMIM 619243.

Submissions (2):

Blueprint Genetics
Classification: Uncertain significance. Last evaluated: 2024-11-11. Review status: criteria provided, single submitter. Criteria: ACMG Guidelines, 2015. Collection method: clinical testing. Allele origin: germline.

Breakthrough Genomics
Classification: Likely pathogenic for Global developmental delay with speech and behavioral abnormalities. Last evaluated: 2021-08-24. Review status: criteria provided, single submitter. Criteria: ACMG Guidelines, 2015. Collection method: clinical testing. Allele origin: germline. Affected: yes.
Comment: This variant lies in exon 4 of the TNRC6B gene and is predicted to cause a premature termination of the protein (p.Glu17Ter). The resultant protein will likely to lack RRM domain, silencing domain, argonaute protein interacting region and PABPC1-interacting motif-2 of the protein [UniProt]; this will likely result in loss-of-function. Moreover, due to the introduction of a premature stop codon, this aberrant transcript will likely be targeted by the nonsense-mediated mRNA decay (NMD) mechanism [PMID: 15040442]. The variant seems to be a novel variant, as it has not been previously reported in population databases or in the literature.

NM_001024843.2(TNRC6B):c.49G>T (p.Glu17Ter)

Gene: TNRC6B (trinucleotide repeat containing adaptor 6B; plus strand). Cytogenetic location: 22q13.1.
Variant type: single nucleotide variant.
Coding change: c.49G>T on transcript NM_001024843.2; coding-DNA position 49, G replaced by T.
Protein change: p.Glu17Ter; replaces glutamic acid 17 with a stop codon.
Molecular consequence: nonsense.
Genome position (GRCh38, 1-based): chr22:40,156,118, G>T. VCF-style: chr22-40156118-G-T. GRCh37 (hg19) VCF-style: chr22-40552122-G-T.
Other names: p.Glu17Ter; short protein forms E17*.
Identifiers: ClinVar variation 3255570 (VCV003255570.3).